The following is an entry in ClinVar:

NM_030761.5(WNT4):c.98C>T (p.Ser33Leu)

Gene: WNT4 (Wnt family member 4; minus strand). Cytogenetic location: 1p36.12.
Variant type: single nucleotide variant.
Coding change: c.98C>T on transcript NM_030761.5 (MANE Select); coding-DNA position 98, C replaced by T.
Protein change: p.Ser33Leu; replaces serine 33 with leucine.
Molecular consequence: missense variant.
Genome position (GRCh38, 1-based): chr1:22,129,831, G>A on the plus strand (C>T on the coding strand, the complement: WNT4 is on the minus strand). VCF-style: chr1-22129831-G-A. GRCh37 (hg19) VCF-style: chr1-22456324-G-A.
Other names: short protein forms S33L.
Identifiers: ClinVar variation 3621818 (VCV003621818.2).
Genomic context (GRCh38, chr1:22,129,831, plus strand): 5'-TGCCTCTGGATCAGGCCCTTGAGTTTCTCGCACGTCTCCTCCTCTGAGATGCTCCCCACC[G>A]ACGACAGCTTGGCCAGGTACCTGGGGAGAGGGTGACACGTGATGCAGAGCCCACCTCCTC-3'
Protein context (NP_110388.2, residues 23-43): SNWLYLAKLS[Ser33Leu]VGSISEEETC

ClinVar aggregate classification (germline): Uncertain significance (1 of 4 stars; one submission).

gnomAD v4.1: 5 of 1,613,662 alleles (0.00031%); highest among the groups gnomAD compares: Admixed American, 0.0017%; no homozygotes.

Submission:

Labcorp Genetics (formerly Invitae), Labcorp
Classification: Uncertain significance. Last evaluated: 2024-05-09. Review status: criteria provided, single submitter. Criteria: Invitae Variant Classification Sherloc (09022015). Collection method: clinical testing. Allele origin: germline.
Comment: This sequence change replaces serine, which is neutral and polar, with leucine, which is neutral and non-polar, at codon 33 of the WNT4 protein (p.Ser33Leu). This variant is present in population databases (no rsID available, gnomAD 0.007%). This variant has not been reported in the literature in individuals affected with WNT4-related conditions. An algorithm developed to predict the effect of missense changes on protein structure and function (PolyPhen-2) suggests that this variant is likely to be disruptive. In summary, the available evidence is currently insufficient to determine the role of this variant in disease. Therefore, it has been classified as a Variant of Uncertain Significance.